The following is an entry in ClinVar:

NM_000428.3(LTBP2):c.2860T>A (p.Cys954Ser)

Gene: LTBP2 (latent transforming growth factor beta binding protein 2; minus strand). Cytogenetic location: 14q24.3.
Variant type: single nucleotide variant.
Coding change: c.2860T>A on transcript NM_000428.3 (MANE Select); coding-DNA position 2860, T replaced by A.
Protein change: p.Cys954Ser; replaces cysteine 954 with serine.
Molecular consequence: missense variant.
Genome position (GRCh38, 1-based): chr14:74,516,870, A>T on the plus strand (T>A on the coding strand, the complement: LTBP2 is on the minus strand). VCF-style: chr14-74516870-A-T. GRCh37 (hg19) VCF-style: chr14-74983573-A-T.
Other names: c.2860T>A (NM_000428.2); short protein forms C954S.
Identifiers: ClinVar variation 1436694 (VCV001436694.5), dbSNP rs547636858, ClinGen allele CA7269370.

ClinVar aggregate classification (germline): Uncertain significance. Review status: criteria provided, multiple submitters, no conflicts (2 of 4 stars). 2 submissions from 2 submitters: Uncertain significance (2). Last evaluated 2023-12-19.

Conditions:
Glaucoma 3, primary congenital, D. Identifiers: Orphanet 98976, MedGen C2751316, MONDO:0013122, OMIM 613086.
Microspherophakia and/or megalocornea, with ectopia lentis and with or without secondary glaucoma (MSPKA). Identifiers: Orphanet 238763, MedGen C3538951, MONDO:0009633, OMIM 251750.
Inborn genetic diseases. Identifiers: MedGen C0950123, MeSH D030342.

Allele frequency attached by ClinVar (database versions not stated): gnomAD exomes 0.00006 and 0.00003; gnomAD 0.00011 and 0.00012; 1000 Genomes Project 0.00040; 1000 Genomes Project 30x 0.00047; ExAC 0.00010; TOPMed 0.00025.
gnomAD v4.1: 72 of 1,551,910 alleles (0.0046%); highest among the groups gnomAD compares: Admixed American, 0.049%; no homozygotes.

Submissions (2):

Ambry Genetics
Classification: Uncertain significance for Inborn genetic diseases. Last evaluated: 2023-12-19. Review status: criteria provided, single submitter. Criteria: Ambry Variant Classification Scheme 2023. Collection method: clinical testing. Allele origin: germline.

Labcorp Genetics (formerly Invitae), Labcorp
Classification: Uncertain significance. Last evaluated: 2022-05-20. Review status: criteria provided, single submitter. Criteria: Invitae Variant Classification Sherloc (09022015). Collection method: clinical testing. Allele origin: germline.
Comment: This sequence change replaces cysteine, which is neutral and slightly polar, with serine, which is neutral and polar, at codon 954 of the LTBP2 protein (p.Cys954Ser). This variant is present in population databases (rs547636858, gnomAD 0.02%). This variant has not been reported in the literature in individuals affected with LTBP2-related conditions. Algorithms developed to predict the effect of missense changes on protein structure and function (SIFT, PolyPhen-2, Align-GVGD) all suggest that this variant is likely to be disruptive. Algorithms developed to predict the effect of sequence changes on RNA splicing suggest that this variant may create or strengthen a splice site. In summary, the available evidence is currently insufficient to determine the role of this variant in disease. Therefore, it has been classified as a Variant of Uncertain Significance.